The following is an entry in ClinVar:

NM_017671.5(FERMT1):c.526T>C (p.Ser176Pro)

Gene: FERMT1 (FERM domain containing kindlin 1; minus strand). Cytogenetic location: 20p12.3.
Variant type: single nucleotide variant.
Coding change: c.526T>C on transcript NM_017671.5 (MANE Select); coding-DNA position 526, T replaced by C.
Protein change: p.Ser176Pro; replaces serine 176 with proline.
Molecular consequence: missense variant.
Genome position (GRCh38, 1-based): chr20:6,112,483, A>G on the plus strand (T>C on the coding strand, the complement: FERMT1 is on the minus strand). VCF-style: chr20-6112483-A-G. GRCh37 (hg19) VCF-style: chr20-6093130-A-G.
Other names: short protein forms S176P.
Identifiers: ClinVar variation 2996084 (VCV002996084.1), dbSNP rs2514719816, ClinGen allele CA408189903.

ClinVar aggregate classification (germline): Uncertain significance (1 of 4 stars; one submission).

Allele frequency attached by ClinVar (database versions not stated): gnomAD exomes below 0.00001.
gnomAD v4.1: 1 of 1,613,808 alleles (0.000062%); highest among the groups gnomAD compares: Non-Finnish European, 0.000085%; no homozygotes.

Submission:

Labcorp Genetics (formerly Invitae), Labcorp
Classification: Uncertain significance. Last evaluated: 2023-12-09. Review status: criteria provided, single submitter. Criteria: Invitae Variant Classification Sherloc (09022015). Collection method: clinical testing. Allele origin: germline.
Comment: This sequence change replaces serine, which is neutral and polar, with proline, which is neutral and non-polar, at codon 176 of the FERMT1 protein (p.Ser176Pro). This variant is not present in population databases (gnomAD no frequency). This variant has not been reported in the literature in individuals affected with FERMT1-related conditions. Algorithms developed to predict the effect of missense changes on protein structure and function output the following: SIFT: "Not Available"; PolyPhen-2: "Benign"; Align-GVGD: "Not Available". The proline amino acid residue is found in multiple mammalian species, which suggests that this missense change does not adversely affect protein function. In summary, the available evidence is currently insufficient to determine the role of this variant in disease. Therefore, it has been classified as a Variant of Uncertain Significance.